The following is an entry in ClinVar:

ClinVar aggregate classification (germline): Uncertain significance (1 of 4 stars; one submission).

Conditions:
Hereditary cancer-predisposing syndrome. Also called: Neoplastic Syndromes, Hereditary; Tumor predisposition; Hereditary neoplastic syndrome; Hereditary Cancer Syndrome. Identifiers: Orphanet 140162, MedGen C0027672, MeSH D009386, MONDO:0015356.

Submission:

Ambry Genetics
Classification: Uncertain significance for Hereditary cancer-predisposing syndrome. Last evaluated: 2026-07-06. Review status: criteria provided, single submitter. Criteria: Ambry Variant Classification Scheme 2023. Collection method: clinical testing. Allele origin: germline.
Comment: The c.5217_5219delCAT variant (also known as p.I1740del) is located in coding exon 34 of the ATM gene. This variant results from an in-frame CAT deletion at nucleotide positions 5217 to 5219. This results in the in-frame deletion of an isoleucine at codon 1740. This amino acid position is highly conserved in available vertebrate species. In addition, this variant is predicted to be deleterious by in silico analysis (Choi Y et al. PLoS ONE. 2012; 7(10):e46688). Based on the available evidence, the clinical significance of this variant remains unclear.

NM_000051.4(ATM):c.5217_5219del (p.Ile1740del)

Gene: ATM (ATM serine/threonine kinase; plus strand). Cytogenetic location: 11q22.3.
Variant type: Deletion.
Coding change: c.5217_5219del on transcript NM_000051.4 (MANE Select); coding-DNA positions 5217 to 5219, 3 bases deleted (CAT; older notation c.5217_5219delCAT).
Protein change: p.Ile1740del; deletes isoleucine 1740.
Genome position (GRCh38, 1-based): chr11:108,301,687-108,301,689, CAT deleted. VCF-style (leftmost placement, unchanged base first): chr11-108301686-ACAT-A. GRCh37 (hg19) VCF-style: chr11-108172413-ACAT-A.
Other names: c.5217_5219del, p.Ile1740del (NM_001351834.2); short protein forms I1740del.
Identifiers: ClinVar variation 5031297 (VCV005031297.1).